The following is an entry in ClinVar:

NM_001430.5(EPAS1):c.616C>A (p.Pro206Thr)

Genes: EPAS1 (endothelial PAS domain protein 1; plus strand), LOC126806210 (BRD4-independent group 4 enhancer GRCh37_chr2:46587586-46588785; plus strand). Cytogenetic location: 2p21.
Variant type: single nucleotide variant.
Coding change: c.616C>A on transcript NM_001430.5 (MANE Select); coding-DNA position 616, C replaced by A.
Protein change: p.Pro206Thr; replaces proline 206 with threonine.
Molecular consequence: missense variant.
Genome position (GRCh38, 1-based): chr2:46,360,927, C>A. VCF-style: chr2-46360927-C-A. GRCh37 (hg19) VCF-style: chr2-46588066-C-A.
Other names: short protein forms P206T.
Identifiers: ClinVar variation 3509004 (VCV003509004.1).
Genomic context (GRCh38, chr2:46,360,927, plus strand): 5'-CTTCCACGCCTGTCTCAGGTCTTGCACTGCACGGGCCAGGTGAAAGTCTACAACAACTGC[C>A]CTCCTCACAATAGTCTGTGTGGCTACAAGGAGCCCCTGCTGTCCTGCCTCATCATCATGT-3'
Protein context (NP_001421.2, residues 196-216): TGQVKVYNNC[Pro206Thr]PHNSLCGYKE

ClinVar aggregate classification (germline): Uncertain significance (1 of 4 stars; one submission).

Conditions:
Inborn genetic diseases. Identifiers: MedGen C0950123, MeSH D030342.

Submission:

Ambry Genetics
Classification: Uncertain significance for Inborn genetic diseases. Last evaluated: 2024-10-17. Review status: criteria provided, single submitter. Criteria: Ambry Variant Classification Scheme 2023. Collection method: clinical testing. Allele origin: germline.
Comment: The p.P206T variant (also known as c.616C>A), located in coding exon 6 of the EPAS1 gene, results from a C to A substitution at nucleotide position 616. The proline at codon 206 is replaced by threonine, an amino acid with highly similar properties. This amino acid position is conserved. In addition, this alteration is predicted to be tolerated by in silico analysis. Based on the available evidence, the clinical significance of this variant remains unclear.